The following is an entry in ClinVar:

NM_001287491.2(TET3):c.2130C>T (p.Leu710=)

Gene: TET3 (tet methylcytosine dioxygenase 3; plus strand). Cytogenetic location: 2p13.1.
Variant type: single nucleotide variant.
Coding change: c.2130C>T on transcript NM_001287491.2 (MANE Select); coding-DNA position 2130, C replaced by T.
Protein change: p.Leu710=; no amino-acid change (leucine 710 retained).
Molecular consequence: synonymous variant.
Genome position (GRCh38, 1-based): chr2:74,048,047, C>T. VCF-style: chr2-74048047-C-T. GRCh37 (hg19) VCF-style: chr2-74275174-C-T.
Other names: c.1851C>T, p.Leu617= (NM_001366022.1); c.1725C>T, p.Leu575= (NM_144993.1).
Identifiers: ClinVar variation 3038375 (VCV003038375.2), dbSNP rs73951129, ClinGen allele CA1718741.
Genomic context (GRCh38, chr2:74,048,047, plus strand): 5'-AGCCTTGCAGCCAGGCTCCACTGGCCCTCTTCCCCCTGCCGATGACAAGCTGGAAGAGCT[C>T]ATCCGGCAGTTTGAGGCTGAATTTGGAGATAGCTTTGGGCTTCCCGGCCCCCCTTCTGTG-3'
Protein context (NP_001274420.1, residues 700-720): LPPADDKLEE[Leu710=]IRQFEAEFGD

ClinVar aggregate classification (germline): Benign (0 of 4 stars; one submission).

Conditions:
TET3-related disorder. Also called: TET3-Related Disease; TET3-related condition.

Allele frequency attached by ClinVar (database versions not stated): gnomAD exomes 0.00119; ExAC 0.00403; gnomAD 0.01262; ESP Exome Variant Server 0.01306; TOPMed 0.01435; 1000 Genomes Project 0.01577; 1000 Genomes Project 30x 0.01608.

Submission:

PreventionGenetics, part of Exact Sciences
Classification: Benign for TET3-related condition. Last evaluated: 2019-12-23. Review status: no assertion criteria provided. Collection method: clinical testing. Allele origin: germline.
Comment: This variant is classified as benign based on ACMG/AMP sequence variant interpretation guidelines (Richards et al. 2015 PMID: 25741868, with internal and published modifications).